The following is an entry in ClinVar:

NM_015338.6(ASXL1):c.1876G>T (p.Gly626Trp)

Gene: ASXL1 (ASXL transcriptional regulator 1; plus strand). Cytogenetic location: 20q11.21.
Variant type: single nucleotide variant.
Coding change: c.1876G>T on transcript NM_015338.6 (MANE Select); coding-DNA position 1876, G replaced by T.
Protein change: p.Gly626Trp; replaces glycine 626 with tryptophan.
Molecular consequence: missense variant.
Genome position (GRCh38, 1-based): chr20:32,434,588, G>T. VCF-style: chr20-32434588-G-T. GRCh37 (hg19) VCF-style: chr20-31022391-G-T.
Other names: c.1693G>T, p.Gly565Trp (NM_001363734.1); short protein forms G565W, G626W.
Identifiers: ClinVar variation 4074642 (VCV004074642.1).
Genomic context (GRCh38, chr20:32,434,588, plus strand): 5'-CGGGGTTGGACTGGCGCCAGGACCCTCGCAGACATTAAAGCCCGTGCTCTGCAGGTCCGA[G>T]GGGCGAGAGGTCACCACTGCCATAGAGAGGCGGCCACCACTGCCATCGGAGGGGGGGGTG-3'
Protein context (NP_056153.2, residues 616-636): DIKARALQVR[Gly626Trp]ARGHHCHREA

ClinVar aggregate classification (germline): Uncertain significance (1 of 4 stars; one submission).

Submission:

GeneDx
Classification: Uncertain significance. Last evaluated: 2025-02-05. Review status: criteria provided, single submitter. Criteria: GeneDx Variant Classification Process June 2021. Collection method: clinical testing. Allele origin: germline. Affected: yes.
Comment: Not observed at significant frequency in large population cohorts (gnomAD); In silico analysis supports that this missense variant has a deleterious effect on protein structure/function; Has not been previously published as pathogenic or benign to our knowledge